The following is an entry in ClinVar:

NM_001018005.2(TPM1):c.773-5C>T

Gene: TPM1 (tropomyosin 1; plus strand). Cytogenetic location: 15q22.2.
Variant type: single nucleotide variant.
Coding change: c.773-5C>T on transcript NM_001018005.2 (MANE Select); 5 bases into the intron before coding-DNA position 773, C replaced by T.
Molecular consequence: intron variant.
Genome position (GRCh38, 1-based): chr15:63,064,059, C>T. VCF-style: chr15-63064059-C-T. GRCh37 (hg19) VCF-style: chr15-63356258-C-T.
Other names: c.898+1414C>T (NM_001365778.1); c.772+1414C>T (NM_001018020.2, NM_001018007.2, NM_001018006.2 and 3 more transcripts); c.773-5C>T (NM_001301244.2, NM_000366.6, NM_001365779.1 and 1 more transcripts); c.664+1414C>T (NM_001330351.2, NM_001330344.2, NM_001018008.2 and 2 more transcripts); c.665-5C>T (NM_001365781.2, NM_001365782.1, NM_001330346.2).
Identifiers: ClinVar variation 1572696 (VCV001572696.10), dbSNP rs754213660, ClinGen allele CA031941.
Genomic context (GRCh38, chr15:63,064,059, plus strand): 5'-TCACCCTCCATTTCTTGATCACTCTCCATGTTCTTGCACCTCTGCCTTCCACTTCCTGGT[C>T]ATAGACGAGCTGTACGCTCAGAAACTGAAGTACAAAGCCATCAGCGAGGAGCTGGACCAC-3'

ClinVar aggregate classification (germline): Conflicting classifications of pathogenicity. Review status: criteria provided, conflicting classifications (1 of 4 stars). 3 submissions from 3 submitters: Uncertain significance (1); Likely benign (2). Last evaluated 2026-06-24.

Conditions:
Cardiomyopathy (CMYO). Also called: Cardiomyopathies. Identifiers: Orphanet 167848, MedGen C0878544, MONDO:0004994, HP:0001638. Inheritance: Various modes of inheritance.
Cardiovascular phenotype. Identifiers: MedGen CN230736.
Hypertrophic cardiomyopathy. Also called: HYPERTROPHIC MYOCARDIOPATHY. Identifiers: Orphanet 217569, MedGen C0007194, MeSH D002312, MONDO:0005045, HP:0001639.

Allele frequency attached by ClinVar (database versions not stated): gnomAD exomes below 0.00001; ExAC 0.00001; gnomAD 0.00002.
gnomAD v4.1: 7 of 1,613,798 alleles (0.00043%); highest among the groups gnomAD compares: Admixed American, 0.0083%; no homozygotes.

Submissions (3):

Ambry Genetics
Classification: Uncertain significance for Cardiovascular phenotype. Last evaluated: 2026-06-24. Review status: criteria provided, single submitter. Criteria: Ambry Variant Classification Scheme 2023. Collection method: clinical testing. Allele origin: germline.
Comment: The c.773-5C>T intronic variant results from a C to T substitution 5 nucleotides upstream from coding exon 9 in the TPM1 gene. This nucleotide position is not well conserved in available vertebrate species. In silico splice site analysis predicts that this alteration will not have any significant effect on splicing. Based on the available evidence, the clinical significance of this variant remains unclear.

Color Diagnostics, LLC DBA Color Health
Classification: Likely benign for Cardiomyopathy. Last evaluated: 2024-09-16. Review status: criteria provided, single submitter. Criteria: ACMG Guidelines, 2015. Collection method: clinical testing. Allele origin: germline.

Labcorp Genetics (formerly Invitae), Labcorp
Classification: Likely benign for Hypertrophic cardiomyopathy. Last evaluated: 2024-06-17. Review status: criteria provided, single submitter. Criteria: Invitae Variant Classification Sherloc (09022015). Collection method: clinical testing. Allele origin: germline.